The following is an entry in ClinVar:

NM_012144.4(DNAI1):c.1109T>C (p.Leu370Pro)

Gene: DNAI1 (dynein axonemal intermediate chain 1; plus strand). Cytogenetic location: 9p13.3.
Variant type: single nucleotide variant.
Coding change: c.1109T>C on transcript NM_012144.4 (MANE Select); coding-DNA position 1109, T replaced by C.
Protein change: p.Leu370Pro; replaces leucine 370 with proline.
Molecular consequence: missense variant.
Genome position (GRCh38, 1-based): chr9:34,506,672, T>C. VCF-style: chr9-34506672-T-C. GRCh37 (hg19) VCF-style: chr9-34506670-T-C.
Other names: c.1121T>C, p.Leu374Pro (NM_001281428.2); c.1109T>C (NM_012144.2); short protein forms L370P, L374P.
Identifiers: ClinVar variation 1057406 (VCV001057406.10), dbSNP rs201677978, ClinGen allele CA5034300.
Genomic context (GRCh38, chr9:34,506,672, plus strand): 5'-ATCTTCCCTGGGTAGATGACTTCATGAAGCAGAGCCGGGGCATGCTGCTGCTCTACAGCC[T>C]GAAGAACCCCAGCTTCCCTGAGTACATGTTCAGCAGCAACAGCGGCGTCATGTGTCTCGA-3'
Protein context (NP_036276.1, residues 360-380): QSRGMLLLYS[Leu370Pro]KNPSFPEYMF

ClinVar aggregate classification (germline): Conflicting classifications of pathogenicity. Review status: criteria provided, conflicting classifications (1 of 4 stars). 5 submissions from 5 submitters: Uncertain significance (3); Likely benign (1). 1 of the submissions does not count toward it. Last evaluated 2022-12-01.

Conditions:
Primary ciliary dyskinesia. Also called: Ciliary dyskinesia. Identifiers: Orphanet 244, MedGen C0008780, MONDO:0016575, HP:0012265.

Allele frequency attached by ClinVar (database versions not stated): 1000 Genomes Project 30x 0.00016; gnomAD 0.00003; ExAC 0.00014; gnomAD exomes 0.00012 and 0.00022; 1000 Genomes Project 0.00020.
gnomAD v4.1: 79 of 1,614,182 alleles (0.0049%); highest among the groups gnomAD compares: Admixed American, 0.11%; no homozygotes.

Submissions (5):

Molecular Genetics McLendon Clinical Laboratories, University of North Carolina at Chapel Hill
Classification: Uncertain significance for Primary ciliary dyskinesia. Last evaluated: 2022-12-01. Review status: criteria provided, single submitter. Criteria: ACMG Guidelines, 2015. Collection method: clinical testing. Allele origin: germline.

Labcorp Genetics (formerly Invitae), Labcorp
Classification: Uncertain significance for Primary ciliary dyskinesia. Last evaluated: 2022-04-09. Review status: criteria provided, single submitter. Criteria: Invitae Variant Classification Sherloc (09022015). Collection method: clinical testing. Allele origin: germline.
Comment: This sequence change replaces leucine, which is neutral and non-polar, with proline, which is neutral and non-polar, at codon 370 of the DNAI1 protein (p.Leu370Pro). This variant is present in population databases (rs201677978, gnomAD 0.1%). This variant has not been reported in the literature in individuals affected with DNAI1-related conditions. ClinVar contains an entry for this variant (Variation ID: 1057406). Algorithms developed to predict the effect of missense changes on protein structure and function are either unavailable or do not agree on the potential impact of this missense change (SIFT: "Deleterious"; PolyPhen-2: "Benign"; Align-GVGD: "Class C0"). In summary, the available evidence is currently insufficient to determine the role of this variant in disease. Therefore, it has been classified as a Variant of Uncertain Significance.

GeneDx
Classification: Uncertain significance. Last evaluated: 2021-12-10. Review status: criteria provided, single submitter. Criteria: GeneDx Variant Classification Process June 2021. Collection method: clinical testing. Allele origin: germline. Affected: yes.
Comment: In silico analysis supports that this missense variant has a deleterious effect on protein structure/function; Has not been previously published as pathogenic or benign to our knowledge

Ambry Genetics
Classification: Likely benign for Primary ciliary dyskinesia. Last evaluated: 2021-11-05. Review status: criteria provided, single submitter. Criteria: Ambry Variant Classification Scheme 2023. Collection method: clinical testing. Allele origin: germline.

Natera, Inc.
Classification: Uncertain significance for Primary ciliary dyskinesia. Last evaluated: 2020-02-13. Review status: no assertion criteria provided. Collection method: clinical testing. Allele origin: germline. Not counted in ClinVar's aggregate classification.